The following is an entry in ClinVar:

NM_153717.3(EVC):c.930A>G (p.Leu310=)

Gene: EVC (EvC ciliary complex subunit 1; plus strand). Cytogenetic location: 4p16.2.
Variant type: single nucleotide variant.
Coding change: c.930A>G on transcript NM_153717.3 (MANE Select); coding-DNA position 930, A replaced by G.
Protein change: p.Leu310=; no amino-acid change (leucine 310 retained).
Molecular consequence: synonymous variant.
Genome position (GRCh38, 1-based): chr4:5,745,332, A>G. VCF-style: chr4-5745332-A-G. GRCh37 (hg19) VCF-style: chr4-5747059-A-G.
Other names: c.930A>G, p.Leu310= (NM_001306090.2, NM_001306092.2).
Identifiers: ClinVar variation 512027 (VCV000512027.4), dbSNP rs776792609, ClinGen allele CA438206142.

ClinVar aggregate classification (germline): Likely benign. Review status: criteria provided, multiple submitters, no conflicts (2 of 4 stars). 2 submissions from 2 submitters: Likely benign (2). Last evaluated 2022-12-31.

Conditions:
Curry-Hall syndrome (WAD). Also called: WEYERS ACRODENTAL DYSOSTOSIS. Identifiers: Orphanet 952, MedGen C0457013, MONDO:0008673, OMIM 193530.
Ellis-van Creveld syndrome (EVC). Also called: Chondroectodermal dysplasia; MESOECTODERMAL DYSPLASIA; EVC-Related Ellis-van Creveld Syndrome; EVC2-Related Ellis-van Creveld Syndrome. Identifiers: Orphanet 289, MedGen C0013903, MONDO:0009162, OMIM 225500.

gnomAD v4.1: 2 of 1,613,966 alleles (0.00012%); highest among the groups gnomAD compares: Non-Finnish European, 0.00017%; no homozygotes.

Submissions (2):

Labcorp Genetics (formerly Invitae), Labcorp
Classification: Likely benign for Curry-Hall syndrome; Ellis-van Creveld syndrome. Last evaluated: 2022-12-31. Review status: criteria provided, single submitter. Criteria: Invitae Variant Classification Sherloc (09022015). Collection method: clinical testing. Allele origin: germline.

GeneDx
Classification: Likely benign. Last evaluated: 2017-09-06. Review status: criteria provided, single submitter. Criteria: GeneDx Variant Classification (06012015). Collection method: clinical testing. Allele origin: germline. Affected: yes.
Comment: This variant is considered likely benign or benign based on one or more of the following criteria: it is a conservative change, it occurs at a poorly conserved position in the protein, it is predicted to be benign by multiple in silico algorithms, and/or has population frequency not consistent with disease.